The following continues an entry in ClinVar:

NM_001267550.2(TTN):c.88858C>T (p.Leu29620=)

ClinVar aggregate classification (germline): Benign/Likely benign. Benign (17); Likely benign (4).

Submissions 18 to 26 of 26:

GeneDx
Classification: Benign. Last evaluated: 2014-04-07. Review status: criteria provided, single submitter. Criteria: GeneDx Variant Classification (06012015). Collection method: clinical testing. Allele origin: germline. Affected: yes.
Comment: This variant is considered likely benign or benign based on one or more of the following criteria: it is a conservative change, it occurs at a poorly conserved position in the protein, it is predicted to be benign by multiple in silico algorithms, and/or has population frequency not consistent with disease.

Ambry Genetics
Classification: Benign for Cardiovascular phenotype. Last evaluated: 2013-07-22. Review status: criteria provided, single submitter. Criteria: Ambry Autosomal Dominant and X-Linked criteria (10/2015). Collection method: clinical testing. Allele origin: germline. Observed: 1 variant allele.

Laboratory for Molecular Medicine, Mass General Brigham Personalized Medicine
Classification: Benign. Last evaluated: 2012-04-11. Review status: criteria provided, single submitter. Criteria: LMM Criteria. Collection method: clinical testing. Allele origin: germline. Observed: 16 variant alleles.
Comment: Leu27052Leu in exon 281 of TTN: This variant is not expected to have clinical si gnificance because it does not alter an amino acid residue and has been identifi ed in 2.0% (60/2984) of African American chromosomes from a broad population by the NHLBI Exome Sequencing Project (dbSNP rs11 5070904).

Breakthrough Genomics
Classification: Likely benign. Review status: criteria provided, single submitter. Criteria: ACMG Guidelines, 2015. Collection method: not provided. Allele origin: germline. Inheritance: Autosomal recessive inheritance. Affected: yes.

PreventionGenetics, part of Exact Sciences
Classification: Benign for TTN-related condition. Last evaluated: 2019-05-22. Review status: no assertion criteria provided. Collection method: clinical testing. Allele origin: germline. Not counted in ClinVar's aggregate classification.
Comment: This variant is classified as benign based on ACMG/AMP sequence variant interpretation guidelines (Richards et al. 2015 PMID: 25741868, with internal and published modifications).

Clinical Genetics DNA and cytogenetics Diagnostics Lab, Erasmus MC, Erasmus Medical Center
Classification: Benign. Review status: no assertion criteria provided. Collection method: clinical testing. Allele origin: germline. Affected: yes. Study: VKGL Data-share Consensus. Not counted in ClinVar's aggregate classification.

Clinical Genetics, Academic Medical Center
Classification: Benign. Review status: no assertion criteria provided. Collection method: clinical testing. Allele origin: germline. Affected: yes. Study: VKGL Data-share Consensus. Not counted in ClinVar's aggregate classification.

Joint Genome Diagnostic Labs from Nijmegen and Maastricht, Radboudumc and MUMC+
Classification: Benign. Review status: no assertion criteria provided. Collection method: clinical testing. Allele origin: germline. Affected: yes. Study: VKGL Data-share Consensus. Not counted in ClinVar's aggregate classification.

Laboratory of Diagnostic Genome Analysis, Leiden University Medical Center (LUMC)
Classification: Likely benign. Review status: no assertion criteria provided. Collection method: clinical testing. Allele origin: germline. Affected: yes. Study: VKGL Data-share Consensus. Not counted in ClinVar's aggregate classification.